The following is an entry in ClinVar:

NM_005219.5(DIAPH1):c.2162C>G (p.Pro721Arg)

Gene: DIAPH1 (diaphanous related formin 1; minus strand). Cytogenetic location: 5q31.3.
Variant type: single nucleotide variant.
Coding change: c.2162C>G on transcript NM_005219.5 (MANE Select); coding-DNA position 2162, C replaced by G.
Protein change: p.Pro721Arg; replaces proline 721 with arginine.
Molecular consequence: missense variant.
Genome position (GRCh38, 1-based): chr5:141,573,688, G>C on the plus strand (C>G on the coding strand, the complement: DIAPH1 is on the minus strand). VCF-style: chr5-141573688-G-C. GRCh37 (hg19) VCF-style: chr5-140953255-G-C.
Other names: c.2135C>G, p.Pro712Arg (NM_001079812.3); c.2162C>G, p.Pro721Arg (NM_001314007.2); short protein forms P721R, P712R.
Identifiers: ClinVar variation 2142918 (VCV002142918.4), dbSNP rs373520931, ClinGen allele CA361517626.

ClinVar aggregate classification (germline): Uncertain significance (1 of 4 stars; one submission).

Conditions:
Progressive microcephaly-seizures-cortical blindness-developmental delay syndrome. Also called: Seizures, cortical blindness, and microcephaly syndrome. Identifiers: Orphanet 477814, MedGen C5567650, MONDO:0014714, OMIM 616632.
Autosomal dominant nonsyndromic hearing loss 1. Also called: KONIGSMARK SYNDROME; DEAFNESS, AUTOSOMAL DOMINANT 1, WITH OR WITHOUT THROMBOCYTOPENIA. Identifiers: Orphanet 90635, MedGen C1852282, MONDO:0007424, OMIM 124900.

Allele frequency attached by ClinVar (database versions not stated): TOPMed 0.00003.
gnomAD v4.1: 3 of 1,605,456 alleles (0.00019%); highest among the groups gnomAD compares: African/African-American, 0.0027%; no homozygotes.

Submission:

Labcorp Genetics (formerly Invitae), Labcorp
Classification: Uncertain significance for Progressive microcephaly-seizures-cortical blindness-developmental delay syndrome; Autosomal dominant nonsyndromic hearing loss 1. Last evaluated: 2024-11-05. Review status: criteria provided, single submitter. Criteria: Invitae Variant Classification Sherloc (09022015). Collection method: clinical testing. Allele origin: germline.
Comment: This sequence change replaces proline, which is neutral and non-polar, with arginine, which is basic and polar, at codon 721 of the DIAPH1 protein (p.Pro721Arg). This variant is not present in population databases (gnomAD no frequency). This variant has not been reported in the literature in individuals affected with DIAPH1-related conditions. ClinVar contains an entry for this variant (Variation ID: 2142918). Experimental studies and prediction algorithms are not available or were not evaluated, and the functional significance of this variant is currently unknown. In summary, the available evidence is currently insufficient to determine the role of this variant in disease. Therefore, it has been classified as a Variant of Uncertain Significance.